The following is an entry in ClinVar:

NM_000019.4(ACAT1):c.772C>T (p.Arg258Cys)

Gene: ACAT1 (acetyl-CoA acetyltransferase 1; plus strand). Cytogenetic location: 11q22.3.
Variant type: single nucleotide variant.
Coding change: c.772C>T on transcript NM_000019.4 (MANE Select); coding-DNA position 772, C replaced by T.
Protein change: p.Arg258Cys; replaces arginine 258 with cysteine.
Molecular consequence: missense variant.
Genome position (GRCh38, 1-based): chr11:108,141,646, C>T. VCF-style: chr11-108141646-C-T. GRCh37 (hg19) VCF-style: chr11-108012373-C-T.
Other names: short protein forms R258C.
Identifiers: ClinVar variation 735225 (VCV000735225.37), dbSNP rs753816946, ClinGen allele CA6263211.

ClinVar aggregate classification (germline): Conflicting classifications of pathogenicity. Review status: criteria provided, conflicting classifications (1 of 4 stars). 4 submissions from 4 submitters: Uncertain significance (1); Likely benign (2). 1 of the submissions does not count toward it. Last evaluated 2026-01-28.

Conditions:
Deficiency of acetyl-CoA acetyltransferase. Also called: MITOCHONDRIAL ACETOACETYL-CoA THIOLASE DEFICIENCY; Beta-ketothiolase deficiency; 3-KETOTHIOLASE DEFICIENCY; 3-OXOTHIOLASE DEFICIENCY. Identifiers: Orphanet 134, MedGen C1536500, MONDO:0008760, OMIM 203750. Disease mechanism: loss of function.

Allele frequency attached by ClinVar (database versions not stated): gnomAD 0.00010 and 0.00012; gnomAD exomes 0.00010 and 0.00037; TOPMed 0.00019; ExAC 0.00032.
gnomAD v4.1: 169 of 1,613,314 alleles (0.01%); highest among the groups gnomAD compares: East Asian, 0.28%; 2 homozygotes.

Submissions (4):

Labcorp Genetics (formerly Invitae), Labcorp
Classification: Likely benign for Deficiency of acetyl-CoA acetyltransferase. Last evaluated: 2026-01-28. Review status: criteria provided, single submitter. Criteria: Invitae Variant Classification Sherloc (09022015). Collection method: clinical testing. Allele origin: germline.

CeGaT Center for Human Genetics Tuebingen
Classification: Likely benign. Last evaluated: 2023-08-01. Review status: criteria provided, single submitter. Criteria: CeGaT Center For Human Genetics Tuebingen Variant Classification Criteria Version 2. Collection method: clinical testing. Allele origin: germline. Affected: yes. Observed: 1 variant allele.
Comment: ACAT1: BS2

Revvity Omics, Revvity
Classification: Uncertain significance for Deficiency of acetyl-CoA acetyltransferase. Last evaluated: 2022-11-08. Review status: criteria provided, single submitter. Criteria: ACMG Guidelines, 2015. Collection method: clinical testing. Allele origin: germline.

Natera, Inc.
Classification: Uncertain significance for Alpha-methylacetoacetic aciduria. Last evaluated: 2020-04-11. Review status: no assertion criteria provided. Collection method: clinical testing. Allele origin: germline. Not counted in ClinVar's aggregate classification.